The following is an entry in ClinVar:

ClinVar aggregate classification (germline): Uncertain significance (1 of 4 stars; one submission).

Allele frequency attached by ClinVar (database versions not stated): TOPMed below 0.00001; gnomAD exomes 0.00001.
gnomAD v4.1: 8 of 1,609,134 alleles (0.0005%); highest among the groups gnomAD compares: Non-Finnish European, 0.0006%; no homozygotes.

Submission:

Labcorp Genetics (formerly Invitae), Labcorp
Classification: Uncertain significance. Last evaluated: 2025-06-03. Review status: criteria provided, single submitter. Criteria: Invitae Variant Classification Sherloc (09022015). Collection method: clinical testing. Allele origin: germline.
Comment: This sequence change replaces valine, which is neutral and non-polar, with phenylalanine, which is neutral and non-polar, at codon 546 of the IL12RB2 protein (p.Val546Phe). This variant is present in population databases (no rsID available, gnomAD 0.003%). This variant has not been reported in the literature in individuals affected with IL12RB2-related conditions. ClinVar contains an entry for this variant (Variation ID: 1515891). An algorithm developed to predict the effect of missense changes on protein structure and function outputs the following: PolyPhen-2: "Benign". The phenylalanine amino acid residue is found in multiple mammalian species, which suggests that this missense change does not adversely affect protein function. In summary, the available evidence is currently insufficient to determine the role of this variant in disease. Therefore, it has been classified as a Variant of Uncertain Significance.

NM_001374259.2(IL12RB2):c.1636G>T (p.Val546Phe)

Gene: IL12RB2 (interleukin 12 receptor subunit beta 2; plus strand). Cytogenetic location: 1p31.3.
Variant type: single nucleotide variant.
Coding change: c.1636G>T on transcript NM_001374259.2 (MANE Select); coding-DNA position 1636, G replaced by T.
Protein change: p.Val546Phe; replaces valine 546 with phenylalanine.
Molecular consequence: missense variant. On other transcripts: non-coding transcript variant (1), intron variant (1).
Genome position (GRCh38, 1-based): chr1:67,372,702, G>T. VCF-style: chr1-67372702-G-T. GRCh37 (hg19) VCF-style: chr1-67838385-G-T.
Other names: c.1636G>T, p.Val546Phe (NM_001258214.1, NM_001258216.1, NM_001319233.1 and 1 more transcripts); c.1459+4677G>T (NM_001258215.1); short protein forms V546F.
Identifiers: ClinVar variation 1515891 (VCV001515891.8), dbSNP rs1399754267, ClinGen allele CA340729976.